The following is an entry in ClinVar:

ClinVar aggregate classification (germline): Conflicting classifications of pathogenicity. Review status: criteria provided, conflicting classifications (1 of 4 stars). 8 submissions from 8 submitters: Likely pathogenic (3); Uncertain significance (4). 1 of the submissions does not count toward it. Last evaluated 2026-03-17.

Conditions:
TARDBP-related disorder. Also called: TARDBP-related condition.
Inborn genetic diseases. Identifiers: MedGen C0950123, MeSH D030342.
Amyotrophic lateral sclerosis type 10 (ALS10). Also called: TARDBP-Related Amyotrophic Lateral Sclerosis-Frontotemporal Dementia; AMYOTROPHIC LATERAL SCLEROSIS 10 WITHOUT FRONTOTEMPORAL DEMENTIA AND WITH TDP43 INCLUSIONS; AMYOTROPHIC LATERAL SCLEROSIS 10 WITH OR WITHOUT FRONTOTEMPORAL DEMENTIA AND WITH TDP43 INCLUSIONS; Amyotrophic lateral sclerosis 10, with or without FTD; AMYOTROPHIC LATERAL SCLEROSIS 10 WITH OR WITHOUT FRONTOTEMPORAL DEMENTIA. Identifiers: Orphanet 275872, Orphanet 803, MedGen C2677565, MONDO:0012790, OMIM 612069.
FRONTOTEMPORAL LOBAR DEGENERATION WITH TDP43 INCLUSIONS, TARDBP-RELATED. Also called: Frontotemporal lobar degeneration, TARDBP-related. Identifiers: MedGen C3150169, OMIM 612069.

Allele frequency attached by ClinVar (database versions not stated): 1000 Genomes Project 30x 0.00016; 1000 Genomes Project 0.00020; ExAC 0.00006; gnomAD 0.00006 and 0.00003; gnomAD exomes 0.00008 and 0.00006; TOPMed 0.00005.
gnomAD v4.1: 101 of 1,614,006 alleles (0.0063%); highest among the groups gnomAD compares: Middle Eastern, 0.099%; no homozygotes.

Submissions (8):

PreventionGenetics, part of Exact Sciences
Classification: Likely pathogenic for TARDBP-related condition. Last evaluated: 2026-03-17. Review status: criteria provided, single submitter. Criteria: ACMG Guidelines, 2015. Collection method: clinical testing. Allele origin: germline.
Comment: The TARDBP c.800A>G variant is predicted to result in the amino acid substitution p.Asn267Ser. This variant has been reported in multiple unrelated individuals with TARDBP-related conditions such as amyotrophic lateral sclerosis (ALS), frontotemporal lobar degeneration (FTLD), corticobasal syndrome (CBS), Parkinson disease (PD), and Alzheimer disease (AD, see for example: Corrado et al. 2009. PubMed ID: 19224587; Borroni et al. 2009. PubMed ID: 19655382; Huey et al. 2011. PubMed ID: 21943958; Rayaprolu et al. 2012. PubMed ID: 23231971; Fernández et al. 2017. PubMed ID: 29091718). At PreventionGenetics, we have observed this variant in several patients with features and/or undergoing testing for ALS or FTLD (Internal Data). This variant is located within the conserved C-terminal region of TARDBP, where missense change is not expected to be tolerated and is considered a hot spot for ALS-causing variants (Tiloca et al. 2022. PubMed ID: 36247987). This variant is reported in 0.023% of alleles in individuals of South Asian descent in gnomAD, suggesting this variant may exhibit incomplete penetrance. This variant is interpreted as likely pathogenic.

Labcorp Genetics (formerly Invitae), Labcorp
Classification: Uncertain significance for Amyotrophic lateral sclerosis type 10; FRONTOTEMPORAL LOBAR DEGENERATION WITH TDP43 INCLUSIONS, TARDBP-RELATED. Last evaluated: 2025-10-17. Review status: criteria provided, single submitter. Criteria: Invitae Variant Classification Sherloc (09022015). Collection method: clinical testing. Allele origin: germline.
Comment: This sequence change replaces asparagine, which is neutral and polar, with serine, which is neutral and polar, at codon 267 of the TARDBP protein (p.Asn267Ser). This variant is present in population databases (rs80356718, gnomAD 0.03%). This missense change has been observed in individual(s) with TARDBP-related conditions (PMID: 19224587, 19655382, 20645878, 21943958, 23231971, 25138285, 28573484, 29801890, 29895397, 36527522). ClinVar contains an entry for this variant (Variation ID: 21482). Invitae Evidence Modeling of protein sequence and biophysical properties (such as structural, functional, and spatial information, amino acid conservation, physicochemical variation, residue mobility, and thermodynamic stability) indicates that this missense variant is not expected to disrupt TARDBP protein function with a negative predictive value of 80%. In summary, the available evidence is currently insufficient to determine the role of this variant in disease. Therefore, it has been classified as a Variant of Uncertain Significance.

Blueprint Genetics
Classification: Uncertain significance. Last evaluated: 2024-11-07. Review status: criteria provided, single submitter. Criteria: ACMG Guidelines, 2015. Collection method: clinical testing. Allele origin: germline.

Neurogenetics, Cyprus Institute of Neurology and Genetics
Classification: Likely pathogenic for Amyotrophic lateral sclerosis type 10. Last evaluated: 2024-08-10. Review status: criteria provided, single submitter. Criteria: ACMG Guidelines 2015. Collection method: clinical testing. Allele origin: germline. Inheritance: Autosomal dominant inheritance. Affected: yes.
Comment: TARDBP c.800A>G (NM_007375.4) sequence change replaces Asparagine to Serine at codon 267 of TAR DNA-binding protein 43 (p.Asn267Ser). TARDBP c.800A>G has been reported in in ClinVar in at least 5 cases with Amyotrophic lateral sclerosis.  The variant is present at low allele frequencies population databases. Missense variant in a gene with low rate of benign missense mutations and for which missense mutation is a common mechanism of a disease (PP2) and 38 pathogenic or likely pathogenic reported variants were found in a 531bp region surrounding this variant in exon 6 within the region 11082180-11082711 without any missense benign variants (PM1). In summary, the currently available evidence indicates that the variant is Likely pathogenic.

CeGaT Center for Human Genetics Tuebingen
Classification: Likely pathogenic. Last evaluated: 2024-04-01. Review status: criteria provided, single submitter. Criteria: CeGaT Center For Human Genetics Tuebingen Variant Classification Criteria Version 2. Collection method: clinical testing. Allele origin: germline. Affected: yes. Observed: 1 variant allele.
Comment: TARDBP: PM1, PM2, PS4:Moderate, PS3:Supporting, BP4

Ambry Genetics
Classification: Uncertain significance for Inborn genetic diseases. Last evaluated: 2023-06-07. Review status: criteria provided, single submitter. Criteria: Ambry Variant Classification Scheme 2023. Collection method: clinical testing. Allele origin: germline.

Baylor Genetics
Classification: Uncertain significance for Amyotrophic lateral sclerosis type 10. Last evaluated: 2022-08-23. Review status: criteria provided, single submitter. Criteria: ACMG Guidelines, 2015. Collection method: clinical testing. Allele origin: unknown.

GeneReviews
No classification provided. Condition: Amyotrophic lateral sclerosis type 10. Review status: no classification provided. Collection method: literature only. Allele origin: germline. Affected: yes. Not counted in ClinVar's aggregate classification.

Literature cited by the submitters: PubMed 19224587 (cited by Labcorp Genetics (formerly Invitae), Labcorp); PubMed 19655382 (cited by Labcorp Genetics (formerly Invitae), Labcorp); PubMed 20645878 (cited by Labcorp Genetics (formerly Invitae), Labcorp); PubMed 21943958 (cited by Labcorp Genetics (formerly Invitae), Labcorp and Ambry Genetics); PubMed 23231971 (cited by Labcorp Genetics (formerly Invitae), Labcorp and Ambry Genetics); PubMed 25138285 (cited by Labcorp Genetics (formerly Invitae), Labcorp); PubMed 28573484 (cited by Labcorp Genetics (formerly Invitae), Labcorp and Ambry Genetics); PubMed 29801890 (cited by Labcorp Genetics (formerly Invitae), Labcorp and Ambry Genetics); PubMed 29895397 (cited by Labcorp Genetics (formerly Invitae), Labcorp and Ambry Genetics); PubMed 36527522 (cited by Labcorp Genetics (formerly Invitae), Labcorp); PubMed 34130995 (cited by Ambry Genetics); PubMed 36247987 (cited by Ambry Genetics); PubMed 36732882 (cited by Ambry Genetics); NCBI Bookshelf NBK5942 (cited by GeneReviews).

NM_007375.4(TARDBP):c.800A>G (p.Asn267Ser)

Gene: TARDBP (TAR DNA binding protein; plus strand). Cytogenetic location: 1p36.22.
Variant type: single nucleotide variant.
Coding change: c.800A>G on transcript NM_007375.4 (MANE Select); coding-DNA position 800, A replaced by G.
Protein change: p.Asn267Ser; replaces asparagine 267 with serine.
Molecular consequence: missense variant.
Genome position (GRCh38, 1-based): chr1:11,022,209, A>G. VCF-style: chr1-11022209-A-G. GRCh37 (hg19) VCF-style: chr1-11082266-A-G.
Identifiers: ClinVar variation 21482 (VCV000021482.37), dbSNP rs80356718, ClinGen allele CA586454.
Genomic context (GRCh38, chr1:11,022,209, plus strand): 5'-ACTTGATCATTAAAGGAATCAGCGTTCATATATCCAATGCCGAACCTAAGCACAATAGCA[A>G]TAGACAGTTAGAAAGAAGTGGAAGATTTGGTGGTAATCCAGGTGGCTTTGGGAATCAGGG-3'
Protein context (NP_031401.1, residues 257-277): ISNAEPKHNS[Asn267Ser]RQLERSGRFG